The following is an entry in ClinVar:

NM_005257.6(GATA6):c.743G>C (p.Gly248Ala)

Gene: GATA6 (GATA binding protein 6; plus strand). Cytogenetic location: 18q11.2.
Variant type: single nucleotide variant.
Coding change: c.743G>C on transcript NM_005257.6 (MANE Select); coding-DNA position 743, G replaced by C.
Protein change: p.Gly248Ala; replaces glycine 248 with alanine.
Molecular consequence: missense variant.
Genome position (GRCh38, 1-based): chr18:22,171,887, G>C. VCF-style: chr18-22171887-G-C. GRCh37 (hg19) VCF-style: chr18-19751848-G-C.
Other names: short protein forms G248A.
Identifiers: ClinVar variation 4809927 (VCV004809927.1).
Genomic context (GRCh38, chr18:22,171,887, plus strand): 5'-CCTCGGCCGACAGCCCTCCATACGGCAGCGGAGGCGGCGCGGCTGGCGGCGGGGCCGCGG[G>C]GCCTGGCGGCGCTGGCTCAGCCGCGGCGCACGTCTCGGCGCGCTTCCCCTACTCTCCCAG-3'
Protein context (NP_005248.2, residues 238-258): GGGAAGGGAA[Gly248Ala]PGGAGSAAAH

ClinVar aggregate classification (germline): Uncertain significance (1 of 4 stars; one submission).

Conditions:
Atrioventricular septal defect 5 (AVSD5). Identifiers: MedGen C3280939, MONDO:0013769, OMIM 614474.

gnomAD v4.1: 10 of 1,151,904 alleles (0.00087%); highest among the groups gnomAD compares: East Asian, 0.034%; no homozygotes.

Submission:

Labcorp Genetics (formerly Invitae), Labcorp
Classification: Uncertain significance for Atrioventricular septal defect 5. Last evaluated: 2025-07-01. Review status: criteria provided, single submitter. Criteria: Invitae Variant Classification Sherloc (09022015). Collection method: clinical testing. Allele origin: germline.
Comment: This sequence change replaces glycine, which is neutral and non-polar, with alanine, which is neutral and non-polar, at codon 248 of the GATA6 protein (p.Gly248Ala). The frequency data for this variant in the population databases is considered unreliable, as metrics indicate insufficient coverage at this position in the gnomAD database. This variant has not been reported in the literature in individuals affected with GATA6-related conditions. Invitae Evidence Modeling of protein sequence and biophysical properties (such as structural, functional, and spatial information, amino acid conservation, physicochemical variation, residue mobility, and thermodynamic stability) indicates that this missense variant is not expected to disrupt GATA6 protein function with a negative predictive value of 80%. In summary, the available evidence is currently insufficient to determine the role of this variant in disease. Therefore, it has been classified as a Variant of Uncertain Significance.